The following is an entry in ClinVar:

NM_001127222.2(CACNA1A):c.4783_4786delinsCA (p.Asn1595fs)

Gene: CACNA1A (calcium voltage-gated channel subunit alpha1 A; minus strand). Cytogenetic location: 19p13.13.
Variant type: Indel.
Coding change: c.4783_4786delinsCA on transcript NM_001127222.2 (MANE Select); coding-DNA positions 4783 to 4786, AATG replaced by CA.
Protein change: p.Asn1595fs; shifts the reading frame from asparagine 1595.
Molecular consequence: frameshift variant.
Genome position (GRCh38, 1-based): chr19:13,253,071-13,253,074, CATT replaced by TG on the plus strand (AATG replaced by CA on the coding strand, the reverse complement: CACNA1A is on the minus strand). VCF-style: chr19-13253071-CATT-TG. GRCh37 (hg19) VCF-style: chr19-13363885-CATT-TG.
Other names: c.4795_4798delinsCA, p.Asn1599fs (NM_000068.4, NM_023035.3); c.4786_4789delinsCA, p.Asn1596fs (NM_001127221.2, NM_001174080.2); short protein forms N1595fs, N1596fs, N1599fs.
Identifiers: ClinVar variation 1701353 (VCV001701353.31), dbSNP rs2144726226, ClinGen allele CA2580096577.
Genomic context (GRCh38, chr19:13,253,071, plus strand): 5'-CTTTCAGCACACATTCCAGAGAGAAGAGGGAGGTGAAGACGATGTTGAACACCCGCAGGG[CATT>TG]TTCATAAGCAACAGAAGCCCCATAGAACTAGGGGAAAGAAGCAGGAGTAGCAGGGGTCAG-3'

ClinVar aggregate classification (germline): Pathogenic (1 of 4 stars; one submission).

Submission:

CeGaT Center for Human Genetics Tuebingen
Classification: Pathogenic. Last evaluated: 2022-07-01. Review status: criteria provided, single submitter. Criteria: CeGaT Center For Human Genetics Tuebingen Variant Classification Criteria Version 2. Collection method: clinical testing. Allele origin: germline. Affected: yes. Observed: 1 variant allele.
Comment: CACNA1A: PVS1, PS2, PM2